The following is an entry in ClinVar:

ClinVar aggregate classification (germline): Uncertain significance. Review status: criteria provided, multiple submitters, no conflicts (2 of 4 stars). 5 submissions from 5 submitters: Uncertain significance (5). Last evaluated 2026-07-01.

Conditions:
Autosomal recessive cerebellar ataxia-saccadic intrusion syndrome. Also called: SPINOCEREBELLAR ATAXIA 24; VPS13D Movement Disorder. Identifiers: Orphanet 95434, MedGen C1846492, MONDO:0011811, OMIM 607317.

Allele frequency attached by ClinVar (database versions not stated): TOPMed 0.00003; gnomAD exomes 0.00004 and 0.00006; ExAC 0.00003; gnomAD 0.00003.
gnomAD v4.1: 100 of 1,614,012 alleles (0.0062%); highest among the groups gnomAD compares: Middle Eastern, 0.36%; 3 homozygotes.

Submissions (5):

CeGaT Center for Human Genetics Tuebingen
Classification: Uncertain significance. Last evaluated: 2026-07-01. Review status: criteria provided, single submitter. Criteria: CeGaT Center For Human Genetics Tuebingen Variant Classification Criteria Version 2. Collection method: clinical testing. Allele origin: germline. Affected: yes. Observed: 1 variant allele.
Comment: VPS13D: PM2

Mayo Clinic Laboratories, Mayo Clinic
Classification: Uncertain significance. Last evaluated: 2023-01-19. Review status: criteria provided, single submitter. Criteria: ACMG Guidelines, 2015. Collection method: clinical testing. Allele origin: germline. Observed: 1 variant allele.
Comment: BP4, PM2

Revvity Omics, Revvity
Classification: Uncertain significance for Autosomal recessive cerebellar ataxia-saccadic intrusion syndrome. Last evaluated: 2021-03-16. Review status: criteria provided, single submitter. Criteria: ACMG Guidelines, 2015. Collection method: clinical testing. Allele origin: germline.

Baylor Genetics
Classification: Uncertain significance for Autosomal recessive cerebellar ataxia-saccadic intrusion syndrome. Last evaluated: 2019-11-20. Review status: criteria provided, single submitter. Criteria: ACMG Guidelines, 2015. Collection method: clinical testing. Allele origin: unknown. Affected: yes.
Comment: This variant was determined to be of uncertain significance according to ACMG Guidelines, 2015 [PMID:25741868].

Breakthrough Genomics
Classification: Uncertain significance. Review status: criteria provided, single submitter. Criteria: ACMG Guidelines, 2015. Collection method: not provided. Allele origin: germline. Inheritance: Autosomal recessive inheritance. Affected: yes.

NM_015378.4(VPS13D):c.10169G>A (p.Arg3390Gln)

Gene: VPS13D (vacuolar protein sorting 13 homolog D; plus strand). Cytogenetic location: 1p36.22.
Variant type: single nucleotide variant.
Coding change: c.10169G>A on transcript NM_015378.4 (MANE Select); coding-DNA position 10169, G replaced by A.
Protein change: p.Arg3390Gln; replaces arginine 3390 with glutamine.
Molecular consequence: missense variant.
Genome position (GRCh38, 1-based): chr1:12,362,747, G>A. VCF-style: chr1-12362747-G-A. GRCh37 (hg19) VCF-style: chr1-12422803-G-A.
Other names: p.Arg3390Gln; c.10094G>A, p.Arg3365Gln (NM_018156.4); short protein forms R3365Q, R3390Q.
Identifiers: ClinVar variation 1027981 (VCV001027981.7), dbSNP rs769010867, ClinGen allele CA603623.